The following is an entry in ClinVar:

ClinVar aggregate classification (germline): Uncertain significance. Review status: criteria provided, multiple submitters, no conflicts (2 of 4 stars). 4 submissions from 4 submitters: Uncertain significance (4). Last evaluated 2023-02-24.

Conditions:
Holoprosencephaly 11 (HPE11). Identifiers: Orphanet 2162, MedGen C3280215, MONDO:0013642, OMIM 614226.

Submissions (4):

Labcorp Genetics (formerly Invitae), Labcorp
Classification: Uncertain significance for Holoprosencephaly 11. Last evaluated: 2023-02-24. Review status: criteria provided, single submitter. Criteria: Invitae Variant Classification Sherloc (09022015). Collection method: clinical testing. Allele origin: germline.
Comment: In summary, the available evidence is currently insufficient to determine the role of this variant in disease. Therefore, it has been classified as a Variant of Uncertain Significance. ClinVar contains an entry for this variant (Variation ID: 598564). This variant has not been reported in the literature in individuals affected with CDON-related conditions. This variant is present in population databases (rs781775355, gnomAD 0.002%). This sequence change creates a premature translational stop signal (p.Lys999Asnfs*14) in the CDON gene. It is expected to result in an absent or disrupted protein product. However, the current clinical and genetic evidence is not sufficient to establish whether loss-of-function variants in CDON cause disease.

Blueprint Genetics
Classification: Uncertain significance. Last evaluated: 2022-09-14. Review status: criteria provided, single submitter. Criteria: ACMG Guidelines, 2015. Collection method: clinical testing. Allele origin: germline.

Victorian Clinical Genetics Services, Murdoch Childrens Research Institute
Classification: Uncertain significance for Holoprosencephaly 11. Last evaluated: 2022-06-24. Review status: criteria provided, single submitter. Criteria: ACMG Guidelines, 2015. Collection method: clinical testing. Allele origin: germline. Inheritance: Autosomal dominant inheritance.
Comment: Based on the classification scheme VCGS_Germline_v1.3.4, this variant is classified as VUS-3B. Following criteria are met: 0105 - The mechanism of disease for this gene is not clearly established. Loss-of-function has been suggested however, this effect was not consistently demonstrated across all the missense variants reported in affected individuals and assays conducted (PMID: 21802063). (I) 0107 - This gene is associated with autosomal dominant disease. (I) 0115 - Variants in this gene are known to have variable expressivity. Holoprosencephaly (HPE) is extremely variable even within the same family, ranging from alobar HPE with cyclopia to clinically normal (GeneReviews). (I) 0201 - Variant is predicted to cause nonsense-mediated decay (NMD) and loss of protein (premature termination codon is located at least 54 nucleotides upstream of the final exon-exon junction). (SP) 0251 - This variant is heterozygous. (I) 0302 - Variant is present in gnomAD <0.001 for a dominant condition (v2: 2 heterozygotes, 0 homozygotes). (SP) 0703 - Other NMD-predicted variants comparable to the one identified in this case have moderate previous evidence for pathogenicity. Only two other NMD-predicted variants have been reported, one in a homozygote individual with coloboma and one heterozygote with pituitary stalk interruption syndrome without HPE who inherited the variant from the mother who had strasbismus (PMID: 31502381, 26529631). (SP) 0809 - Previous evidence of pathogenicity for this variant is inconclusive. It was classified as a VUS by a diagnostic laboratory in ClinVar. (I) 0905 - No published segregation evidence has been identified for this variant. (I) 1007 - No published functional evidence has been identified for this variant. (I) Legend: (SP) - Supporting pathogenic, (I) - Information, (SB) - Supporting benign

Eurofins Ntd Llc (ga)
Classification: Uncertain significance. Last evaluated: 2018-08-24. Review status: criteria provided, single submitter. Criteria: EGL ClinVar v180209 classification definitions. Collection method: clinical testing. Allele origin: germline.

Literature cited by the submitters: PubMed 21802063 (cited by Victorian Clinical Genetics Services, Murdoch Childrens Research Institute); PubMed 26529631 (cited by Victorian Clinical Genetics Services, Murdoch Childrens Research Institute); PubMed 31502381 (cited by Victorian Clinical Genetics Services, Murdoch Childrens Research Institute).

NM_001378964.1(CDON):c.2996delA (p.Lys999fs)

Gene: CDON (cell adhesion associated, oncogene regulated; minus strand). Cytogenetic location: 11q24.2.
Variant type: Deletion.
Coding change: c.2996delA on transcript NM_001378964.1 (MANE Select); coding-DNA position 2996, one base deleted (A).
Protein change: p.Lys999fs; shifts the reading frame from lysine 999.
Molecular consequence: frameshift variant.
Genome position (GRCh38, 1-based): chr11:125,981,328, T deleted on the plus strand (A on the coding strand, the reverse complement: CDON is on the minus strand); the first of 2 consecutive T bases (chr11:125,981,328-125,981,329); deleting either gives the same sequence. VCF-style (leftmost placement, unchanged base first): chr11-125981327-AT-A. GRCh37 (hg19) VCF-style: chr11-125851222-AT-A.
Other names: c.2996delA, p.Lys999fs (NM_001243597.3, NM_001441161.1, NM_001441162.1 and 5 more transcripts); c.2997delA (NM_001243597.1); short protein forms K999fs.
Identifiers: ClinVar variation 598564 (VCV000598564.12), dbSNP rs781775355, ClinGen allele CA6351527.